The following is an entry in ClinVar:

NM_021830.5(TWNK):c.905G>A (p.Arg302Gln)

Gene: TWNK (twinkle mtDNA helicase; plus strand). Cytogenetic location: 10q24.31.
Variant type: single nucleotide variant.
Coding change: c.905G>A on transcript NM_021830.5 (MANE Select); coding-DNA position 905, G replaced by A.
Protein change: p.Arg302Gln; replaces arginine 302 with glutamine.
Molecular consequence: missense variant. On other transcripts: non-coding transcript variant (4), intron variant (3).
Genome position (GRCh38, 1-based): chr10:100,989,115, G>A. VCF-style: chr10-100989115-G-A. GRCh37 (hg19) VCF-style: chr10-102748872-G-A.
Other names: c.905G>A, p.Arg302Gln (NM_001163812.2); c.-119-529G>A (NM_001163814.2, NM_001163813.2); c.-57-591G>A (NM_001368275.1); short protein forms R302Q.
Identifiers: ClinVar variation 1971622 (VCV001971622.6), dbSNP rs764320542, ClinGen allele CA5653135.
Genomic context (GRCh38, chr10:100,989,115, plus strand): 5'-CTCTACCCCGAGGAACGACCTGCTTACCCCCTGCCTTACTCCCTTACCTGGAACAGTTCC[G>A]GCGGATTGTATTCTGGTTGGGGGATGACCTTCGGTCCTGGGAAGCCGCCAAGTTGTTTGC-3'
Protein context (NP_068602.2, residues 292-312): PALLPYLEQF[Arg302Gln]RIVFWLGDDL

ClinVar aggregate classification (germline): Uncertain significance. Review status: criteria provided, multiple submitters, no conflicts (2 of 4 stars). 2 submissions from 2 submitters: Uncertain significance (2). Last evaluated 2025-10-06.

Conditions:
Progressive external ophthalmoplegia with mitochondrial DNA deletions, autosomal dominant 3. Also called: PROGRESSIVE EXTERNAL OPHTHALMOPLEGIA, AUTOSOMAL DOMINANT 3. Identifiers: MedGen C1836439, MONDO:0012241, OMIM 609286.

Allele frequency attached by ClinVar (database versions not stated): gnomAD exomes below 0.00001; TOPMed below 0.00001; ExAC 0.00001.

Submissions (2):

Labcorp Genetics (formerly Invitae), Labcorp
Classification: Uncertain significance. Last evaluated: 2025-10-06. Review status: criteria provided, single submitter. Criteria: Invitae Variant Classification Sherloc (09022015). Collection method: clinical testing. Allele origin: germline.
Comment: This sequence change replaces arginine, which is basic and polar, with glutamine, which is neutral and polar, at codon 302 of the TWNK protein (p.Arg302Gln). This variant is present in population databases (rs764320542, gnomAD 0.006%). This variant has not been reported in the literature in individuals affected with TWNK-related conditions. ClinVar contains an entry for this variant (Variation ID: 1971622). Invitae Evidence Modeling of protein sequence and biophysical properties (such as structural, functional, and spatial information, amino acid conservation, physicochemical variation, residue mobility, and thermodynamic stability) has been performed for this missense variant. However, the output from this modeling did not meet the statistical confidence thresholds required to predict the impact of this variant on TWNK protein function. This variant disrupts the p.Arg302 amino acid residue in TWNK. Other variant(s) that disrupt this residue have been determined to be pathogenic (PMID: 27551684). This suggests that this residue is clinically significant, and that variants that disrupt this residue are likely to be disease-causing. In summary, the available evidence is currently insufficient to determine the role of this variant in disease. Therefore, it has been classified as a Variant of Uncertain Significance.

Genomic Medicine Center of Excellence, King Faisal Specialist Hospital and Research Centre
Classification: Uncertain significance for Progressive external ophthalmoplegia with mitochondrial DNA deletions, autosomal dominant 3. Last evaluated: 2024-03-29. Review status: criteria provided, single submitter. Criteria: ACMG Guidelines, 2015. Collection method: clinical testing. Allele origin: germline.

Literature cited by the submitters: PubMed 27551684 (cited by Labcorp Genetics (formerly Invitae), Labcorp).